The following is an entry in ClinVar:

NM_002292.4(LAMB2):c.3493C>T (p.Arg1165Cys)

Gene: LAMB2 (laminin subunit beta 2; minus strand). Cytogenetic location: 3p21.31.
Variant type: single nucleotide variant.
Coding change: c.3493C>T on transcript NM_002292.4 (MANE Select); coding-DNA position 3493, C replaced by T.
Protein change: p.Arg1165Cys; replaces arginine 1165 with cysteine.
Molecular consequence: missense variant.
Genome position (GRCh38, 1-based): chr3:49,124,032, G>A on the plus strand (C>T on the coding strand, the complement: LAMB2 is on the minus strand). VCF-style: chr3-49124032-G-A. GRCh37 (hg19) VCF-style: chr3-49161465-G-A.
Other names: short protein forms R1165C.
Identifiers: ClinVar variation 1054528 (VCV001054528.6), dbSNP rs746391965, ClinGen allele CA2394028.

ClinVar aggregate classification (germline): Uncertain significance. Review status: criteria provided, multiple submitters, no conflicts (2 of 4 stars). 2 submissions from 2 submitters: Uncertain significance (2). Last evaluated 2024-02-29.

Conditions:
Pierson syndrome. Also called: MICROCORIA-CONGENITAL NEPHROTIC SYNDROME. Identifiers: Orphanet 2670, MedGen C1836876, MONDO:0012184, OMIM 609049.
LAMB2-related infantile-onset nephrotic syndrome. Also called: NEPHROTIC SYNDROME, TYPE 5, WITHOUT OCULAR ABNORMALITIES; NEPHROTIC SYNDROME, TYPE 5, WITH OCULAR ABNORMALITIES; Nephrotic Syndrome, type 5. Identifiers: Orphanet 306507, MedGen C3280113, MONDO:0013621, OMIM 614199.

Allele frequency attached by ClinVar (database versions not stated): TOPMed 0.00001; ExAC 0.00002.

Submissions (2):

Fulgent Genetics
Classification: Uncertain significance for Pierson syndrome; LAMB2-related infantile-onset nephrotic syndrome. Last evaluated: 2024-02-29. Review status: criteria provided, single submitter. Criteria: ACMG Guidelines, 2015. Collection method: clinical testing. Allele origin: germline.

Labcorp Genetics (formerly Invitae), Labcorp
Classification: Uncertain significance for LAMB2-related infantile-onset nephrotic syndrome; Pierson syndrome. Last evaluated: 2022-06-13. Review status: criteria provided, single submitter. Criteria: Invitae Variant Classification Sherloc (09022015). Collection method: clinical testing. Allele origin: germline.
Comment: This sequence change replaces arginine, which is basic and polar, with cysteine, which is neutral and slightly polar, at codon 1165 of the LAMB2 protein (p.Arg1165Cys). This variant is present in population databases (rs746391965, gnomAD 0.007%). In summary, the available evidence is currently insufficient to determine the role of this variant in disease. Therefore, it has been classified as a Variant of Uncertain Significance. Algorithms developed to predict the effect of missense changes on protein structure and function (SIFT, PolyPhen-2, Align-GVGD) all suggest that this variant is likely to be disruptive. ClinVar contains an entry for this variant (Variation ID: 1054528). This missense change has been observed in individual(s) with nephrotic syndrome (PMID: 28476686).

Literature cited by the submitters: PubMed 28476686 (cited by Labcorp Genetics (formerly Invitae), Labcorp).